The following is an entry in ClinVar:

ClinVar aggregate classification (germline): Uncertain significance (1 of 4 stars; one submission).

Conditions:
Neuropathy, hereditary sensory, type 2C. Also called: KIF1A-Related HSAN2 (HSAN2C); Hereditary sensory and autonomic neuropathy type IIC. Identifiers: Orphanet 970, MedGen C3280168, MONDO:0013634, OMIM 614213.
Hereditary spastic paraplegia 30. Identifiers: Orphanet 101010, MedGen C5235139, MONDO:0012476.
Intellectual disability, autosomal dominant 9 (NESCAVS). Also called: KIF1A-Related Neurodevelopmental Disorder; NESCAV SYNDROME. Identifiers: Orphanet 662367, MedGen C5393830, MONDO:0013656, OMIM 614255.

gnomAD v4.1: 3 of 1,613,466 alleles (0.00019%); highest among the groups gnomAD compares: East Asian, 0.0045%; no homozygotes.

Submission:

Labcorp Genetics (formerly Invitae), Labcorp
Classification: Uncertain significance for Hereditary spastic paraplegia 30; Neuropathy, hereditary sensory, type 2C; Intellectual disability, autosomal dominant 9. Last evaluated: 2024-07-31. Review status: criteria provided, single submitter. Criteria: Invitae Variant Classification Sherloc (09022015). Collection method: clinical testing. Allele origin: germline.
Comment: This sequence change replaces asparagine, which is neutral and polar, with aspartic acid, which is acidic and polar, at codon 235 of the KIF1A protein (p.Asn235Asp). This variant is present in population databases (rs548964176, gnomAD 0.006%). This variant has not been reported in the literature in individuals affected with KIF1A-related conditions. Advanced modeling of protein sequence and biophysical properties (such as structural, functional, and spatial information, amino acid conservation, physicochemical variation, residue mobility, and thermodynamic stability) performed at Invitae indicates that this missense variant is expected to disrupt KIF1A protein function with a positive predictive value of 95%. In summary, the available evidence is currently insufficient to determine the role of this variant in disease. Therefore, it has been classified as a Variant of Uncertain Significance.

NM_001244008.2(KIF1A):c.703A>G (p.Asn235Asp)

Gene: KIF1A (kinesin family member 1A; minus strand). Cytogenetic location: 2q37.3.
Variant type: single nucleotide variant.
Coding change: c.703A>G on transcript NM_001244008.2 (MANE Select); coding-DNA position 703, A replaced by G.
Protein change: p.Asn235Asp; replaces asparagine 235 with aspartic acid.
Molecular consequence: missense variant.
Genome position (GRCh38, 1-based): chr2:240,785,006, T>C on the plus strand (A>G on the coding strand, the complement: KIF1A is on the minus strand). VCF-style: chr2-240785006-T-C. GRCh37 (hg19) VCF-style: chr2-241724423-T-C.
Other names: c.703A>G, p.Asn235Asp (NM_001320705.2, NM_001330289.2, NM_001330290.2 and 20 more transcripts); short protein forms N235D.
Identifiers: ClinVar variation 3761194 (VCV003761194.2).